The following is an entry in ClinVar:

NM_001211.6(BUB1B):c.249C>G (p.Ser83Arg)

Gene: BUB1B (BUB1 mitotic checkpoint serine/threonine kinase B; plus strand). Cytogenetic location: 15q15.1.
Variant type: single nucleotide variant.
Coding change: c.249C>G on transcript NM_001211.6 (MANE Select); coding-DNA position 249, C replaced by G.
Protein change: p.Ser83Arg; replaces serine 83 with arginine.
Molecular consequence: missense variant.
Genome position (GRCh38, 1-based): chr15:40,170,546, C>G. VCF-style: chr15-40170546-C-G. GRCh37 (hg19) VCF-style: chr15-40462747-C-G.
Other names: short protein forms S83R.
Identifiers: ClinVar variation 3221395 (VCV003221395.1), dbSNP rs576848032, ClinGen allele CA391678878.

ClinVar aggregate classification (germline): Uncertain significance (1 of 4 stars; one submission).

Conditions:
Inborn genetic diseases. Identifiers: MedGen C0950123, MeSH D030342.

Submission:

Ambry Genetics
Classification: Uncertain significance for Inborn genetic diseases. Last evaluated: 2023-10-20. Review status: criteria provided, single submitter. Criteria: Ambry Variant Classification Scheme 2023. Collection method: clinical testing. Allele origin: germline.
Comment: The p.S83R variant (also known as c.249C>G), located in coding exon 4 of the BUB1B gene, results from a C to G substitution at nucleotide position 249. The serine at codon 83 is replaced by arginine, an amino acid with dissimilar properties. This amino acid position is conserved. In addition, this alteration is predicted to be tolerated by in silico analysis. Since supporting evidence is limited at this time, the clinical significance of this alteration remains unclear.